The following is an entry in ClinVar:

ClinVar aggregate classification (germline): Uncertain significance (1 of 4 stars; one submission).

Conditions:
Charcot-Marie-Tooth disease X-linked dominant 6. Also called: CHARCOT-MARIE-TOOTH NEUROPATHY, X-LINKED DOMINANT, 6. Identifiers: Orphanet 352675, MedGen C3806702, MONDO:0010479, OMIM 300905.

Submission:

Labcorp Genetics (formerly Invitae), Labcorp
Classification: Uncertain significance for Charcot-Marie-Tooth disease X-linked dominant 6. Last evaluated: 2023-09-12. Review status: criteria provided, single submitter. Criteria: Invitae Variant Classification Sherloc (09022015). Collection method: clinical testing. Allele origin: germline.
Comment: In summary, the available evidence is currently insufficient to determine the role of this variant in disease. Therefore, it has been classified as a Variant of Uncertain Significance. Algorithms developed to predict the effect of sequence changes on RNA splicing suggest that this variant may disrupt the consensus splice site. This variant has not been reported in the literature in individuals affected with PDK3-related conditions. This variant is not present in population databases (gnomAD no frequency). This sequence change affects a donor splice site in intron 10 of the PDK3 gene. It is expected to disrupt RNA splicing. Variants that disrupt the donor or acceptor splice site typically lead to a loss of protein function (PMID: 16199547), however the current clinical and genetic evidence is not sufficient to establish whether loss-of-function variants in PDK3 cause disease.

Literature cited by the submitters: PubMed 16199547.

NM_005391.5(PDK3):c.1077+2T>G

Gene: PDK3 (pyruvate dehydrogenase kinase 3; plus strand). Cytogenetic location: Xp22.11.
Variant type: single nucleotide variant.
Coding change: c.1077+2T>G on transcript NM_005391.5 (MANE Select); the canonical splice donor site of the intron after coding-DNA position 1077, T replaced by G.
Molecular consequence: splice donor variant.
Genome position (GRCh38, 1-based): chrX:24,531,772, T>G. VCF-style: chrX-24531772-T-G. GRCh37 (hg19) VCF-style: chrX-24549889-T-G.
Other names: c.1077+2T>G (NM_001142386.3).
Identifiers: ClinVar variation 2760255 (VCV002760255.3), dbSNP rs2518592959, ClinGen allele CA412603592.